The following is an entry in ClinVar:

ClinVar aggregate classification (germline): Likely benign (0 of 4 stars; one submission).

Conditions:
CUBN-related disorder. Also called: CUBN-related condition.

Allele frequency attached by ClinVar (database versions not stated): ExAC 0.00003; gnomAD exomes 0.00004; TOPMed 0.00006; gnomAD 0.00007; ESP Exome Variant Server 0.00015.
gnomAD v4.1: 70 of 1,613,916 alleles (0.0043%); highest among the groups gnomAD compares: African/African-American, 0.0067%; no homozygotes.

Submission:

PreventionGenetics, part of Exact Sciences
Classification: Likely benign for CUBN-related condition. Last evaluated: 2022-10-17. Review status: no assertion criteria provided. Collection method: clinical testing. Allele origin: germline.
Comment: This variant is classified as likely benign based on ACMG/AMP sequence variant interpretation guidelines (Richards et al. 2015 PMID: 25741868, with internal and published modifications).

NM_001081.4(CUBN):c.7764C>T (p.Asp2588=)

Gene: CUBN (cubilin; minus strand). Cytogenetic location: 10p13.
Variant type: single nucleotide variant.
Coding change: c.7764C>T on transcript NM_001081.4 (MANE Select); coding-DNA position 7764, C replaced by T.
Protein change: p.Asp2588=; no amino-acid change (aspartic acid 2588 retained).
Molecular consequence: synonymous variant.
Genome position (GRCh38, 1-based): chr10:16,906,351, G>A on the plus strand (C>T on the coding strand, the complement: CUBN is on the minus strand). VCF-style: chr10-16906351-G-A. GRCh37 (hg19) VCF-style: chr10-16948350-G-A.
Identifiers: ClinVar variation 3032437 (VCV003032437.2), dbSNP rs368055206, ClinGen allele CA5423246.